The following is an entry in ClinVar:

ClinVar aggregate classification (germline): Benign. Review status: criteria provided, multiple submitters, no conflicts (2 of 4 stars). 2 submissions from 2 submitters: Benign (2). Last evaluated 2018-06-14.

Allele frequency attached by ClinVar (database versions not stated): gnomAD 0.33590 and 0.33720; TOPMed 0.35785; 1000 Genomes Project 0.39557; 1000 Genomes Project 30x 0.40147.
gnomAD v4.1: 51,016 of 152,218 alleles (34%); highest among the groups gnomAD compares: African/African-American, 53%; 10,010 homozygotes.

Submissions (2):

GeneDx
Classification: Benign. Last evaluated: 2018-06-14. Review status: criteria provided, single submitter. Criteria: GeneDx Variant Classification (06012015). Collection method: clinical testing. Allele origin: germline. Affected: yes.
Comment: This variant is considered likely benign or benign based on one or more of the following criteria: it is a conservative change, it occurs at a poorly conserved position in the protein, it is predicted to be benign by multiple in silico algorithms, and/or has population frequency not consistent with disease.

Breakthrough Genomics
Classification: Benign. Review status: criteria provided, single submitter. Criteria: ACMG Guidelines, 2015. Collection method: not provided. Allele origin: germline. Inheritance: Autosomal recessive inheritance. Affected: yes.

NM_001849.4(COL6A2):c.2461+2100A>C

Gene: COL6A2 (collagen type VI alpha 2 chain; plus strand). Cytogenetic location: 21q22.3.
Variant type: single nucleotide variant.
Coding change: c.2461+2100A>C on transcript NM_001849.4 (MANE Select); 2100 bases into the intron after coding-DNA position 2461, A replaced by C.
Molecular consequence: intron variant.
Genome position (GRCh38, 1-based): chr21:46,128,641, A>C. VCF-style: chr21-46128641-A-C. GRCh37 (hg19) VCF-style: chr21-47548555-A-C.
Other names: c.2462-262A>C (NM_058175.3); c.2462-555A>C (NM_058174.3).
Identifiers: ClinVar variation 671161 (VCV000671161.2), dbSNP rs2839116, ClinGen allele CA14875506.